The following is an entry in ClinVar:

ClinVar aggregate classification (germline): Uncertain significance (1 of 4 stars; one submission).

Submission:

Labcorp Genetics (formerly Invitae), Labcorp
Classification: Uncertain significance. Last evaluated: 2022-03-01. Review status: criteria provided, single submitter. Criteria: Invitae Variant Classification Sherloc (09022015). Collection method: clinical testing. Allele origin: germline.
Comment: This sequence change replaces lysine, which is basic and polar, with arginine, which is basic and polar, at codon 456 of the CENPJ protein (p.Lys456Arg). In summary, the available evidence is currently insufficient to determine the role of this variant in disease. Therefore, it has been classified as a Variant of Uncertain Significance. Algorithms developed to predict the effect of missense changes on protein structure and function (SIFT, PolyPhen-2, Align-GVGD) all suggest that this variant is likely to be tolerated. This variant has not been reported in the literature in individuals affected with CENPJ-related conditions. This variant is not present in population databases (gnomAD no frequency).

NM_018451.5(CPAP):c.1367A>G (p.Lys456Arg)

Gene: CPAP (centrosome assembly and centriole elongation protein; minus strand). Cytogenetic location: 13q12.13.
Variant type: single nucleotide variant.
Coding change: c.1367A>G on transcript NM_018451.5 (MANE Select); coding-DNA position 1367, A replaced by G.
Protein change: p.Lys456Arg; replaces lysine 456 with arginine.
Molecular consequence: missense variant. On other transcripts: non-coding transcript variant (2).
Genome position (GRCh38, 1-based): chr13:24,906,671, T>C on the plus strand (A>G on the coding strand, the complement: CPAP is on the minus strand). VCF-style: chr13-24906671-T-C. GRCh37 (hg19) VCF-style: chr13-25480809-T-C.
Other names: short protein forms K456R.
Identifiers: ClinVar variation 2052262 (VCV002052262.2), dbSNP rs2541696252, ClinGen allele CA387588357.
Genomic context (GRCh38, chr13:24,906,671, plus strand): 5'-TGTATTTTCAATCCTGACGGAGAAAGACTTTTCCTGTTACTACACTTCAGCATTTTCGGC[T>C]TCTGACTGAGGGTGACAGAACCACTCTTGGTTCTAGCTTTACTGTCCTTTTTAAGGATAG-3'
Protein context (NP_060921.3, residues 446-466): TKSGSVTLSQ[Lys456Arg]PKMLKCSNRK